The following is an entry in ClinVar:

NM_001127511.3(APC):c.1A>T (p.Met1Leu)

Gene: APC (APC regulator of Wnt signaling pathway; plus strand). Cytogenetic location: 5q22.2.
Variant type: single nucleotide variant.
Coding change: c.1A>T on transcript NM_001127511.3; coding-DNA position 1, A replaced by T.
Protein change: p.Met1Leu; changes the start codon (methionine 1).
Molecular consequence: missense variant, initiator codon variant. On other transcripts: 5 prime UTR variant (8), non-coding transcript variant (1), intron variant (5).
Genome position (GRCh38, 1-based): chr5:112,707,718, A>T. VCF-style: chr5-112707718-A-T. GRCh37 (hg19) VCF-style: chr5-112043415-A-T.
Other names: c.-183A>T (NM_001354895.2, NM_001407447.1, NM_001407452.1 and 3 more transcripts); c.1A>T, p.Met1Leu (NM_001354897.2, NM_001354902.2, NM_001407446.1); c.-1218A>T (NM_001407470.1, NM_001407472.1); c.-19+69A>T (NM_001407448.1, NM_001407450.1, NM_001407457.1 and 1 more transcripts); c.-43+69A>T (NM_001407453.1); short protein forms M1L.
Identifiers: ClinVar variation 548848 (VCV000548848.12), dbSNP rs189807660, ClinGen allele CA360611534.

ClinVar aggregate classification (germline): Uncertain significance. Review status: criteria provided, multiple submitters, no conflicts (2 of 4 stars). 3 submissions from 3 submitters: Uncertain significance (2). 1 of the submissions does not count toward it. Last evaluated 2025-12-29.

Conditions:
Familial adenomatous polyposis 1 (FAP1). Also called: FAMILIAL ADENOMATOUS POLYPOSIS 1, ATTENUATED; POLYPOSIS, ADENOMATOUS INTESTINAL. Identifiers: MedGen C2713442, MONDO:0021056, OMIM 175100. Disease mechanism: loss of function.

Submissions (3):

Center for Genomic Medicine, Rigshospitalet, Copenhagen University Hospital
Classification: Uncertain significance. Last evaluated: 2025-12-29. Review status: criteria provided, single submitter. Criteria: ACMG Guidelines, 2015. Collection method: clinical testing. Allele origin: germline.

Labcorp Genetics (formerly Invitae), Labcorp
Classification: Uncertain significance for Familial adenomatous polyposis 1. Last evaluated: 2025-04-14. Review status: criteria provided, single submitter. Criteria: Invitae Variant Classification Sherloc (09022015). Collection method: clinical testing. Allele origin: germline.
Comment: This variant occurs in a non-coding region of the APC gene. It does not change the encoded amino acid sequence of the APC protein. This variant is not present in population databases (gnomAD no frequency). This variant has not been reported in the literature in individuals affected with APC-related conditions. ClinVar contains an entry for this variant (Variation ID: 548848). Experimental studies and prediction algorithms are not available or were not evaluated, and the functional significance of this variant is currently unknown. In summary, the available evidence is currently insufficient to determine the role of this variant in disease. Therefore, it has been classified as a Variant of Uncertain Significance.

Counsyl
Classification: Uncertain significance for Familial adenomatous polyposis 1. Last evaluated: 2018-01-25. Review status: no assertion criteria provided. Collection method: clinical testing. Allele origin: unknown. Not counted in ClinVar's aggregate classification.